The following is an entry in ClinVar:

NM_021625.5(TRPV4):c.1367A>G (p.Asn456Ser)

Gene: TRPV4 (transient receptor potential cation channel subfamily V member 4; minus strand). Cytogenetic location: 12q24.11.
Variant type: single nucleotide variant.
Coding change: c.1367A>G on transcript NM_021625.5 (MANE Select); coding-DNA position 1367, A replaced by G.
Protein change: p.Asn456Ser; replaces asparagine 456 with serine.
Molecular consequence: missense variant.
Genome position (GRCh38, 1-based): chr12:109,794,453, T>C on the plus strand (A>G on the coding strand, the complement: TRPV4 is on the minus strand). VCF-style: chr12-109794453-T-C. GRCh37 (hg19) VCF-style: chr12-110232258-T-C.
Other names: c.1226A>G, p.Asn409Ser (NM_001177428.2); c.1265A>G, p.Asn422Ser (NM_001177431.2); c.1046A>G, p.Asn349Ser (NM_001177433.2); c.1187A>G, p.Asn396Ser (NM_147204.3); short protein forms N349S, N396S, N409S, N422S, N456S.
Identifiers: ClinVar variation 2684081 (VCV002684081.2), dbSNP rs2548732424, ClinGen allele CA386653203.
Genomic context (GRCh38, chr12:109,794,453, plus strand): 5'-ACCACGTTGATGTAGAAGGAGACGGCCCCGAACTTGCGCCACTTGTCCCGCAGCAGTTCA[T>C]TGATGGGCTCCACAGCCAGCATCTCGTGGCGGTTCTAAGAGAGGCAGGGTGGTCGGGGGC-3'
Protein context (NP_067638.3, residues 446-466): RHEMLAVEPI[Asn456Ser]ELLRDKWRKF

ClinVar aggregate classification (germline): Uncertain significance. Review status: criteria provided, multiple submitters, no conflicts (2 of 4 stars). 2 submissions from 2 submitters: Uncertain significance (2). Last evaluated 2025-02-19.

Conditions:
TRPV4-related disorder. Also called: TRPV4-related condition; TRPV4-related disorders.

Allele frequency attached by ClinVar (database versions not stated): gnomAD exomes below 0.00001.
gnomAD v4.1: 4 of 1,614,038 alleles (0.00025%); highest among the groups gnomAD compares: South Asian, 0.0022%; no homozygotes.

Submissions (2):

PreventionGenetics, part of Exact Sciences
Classification: Uncertain significance for TRPV4-related condition. Last evaluated: 2025-02-19. Review status: criteria provided, single submitter. Criteria: ACMG Guidelines, 2015. Collection method: clinical testing. Allele origin: germline.
Comment: The TRPV4 c.1367A>G variant is predicted to result in the amino acid substitution p.Asn456Ser. To our knowledge, this variant has not been reported in the literature or in a large population database (gnomAD), indicating this variant is rare. At this time, the clinical significance of this variant is uncertain due to the absence of conclusive functional and genetic evidence.

Athena Diagnostics
Classification: Uncertain significance. Last evaluated: 2023-06-21. Review status: criteria provided, single submitter. Criteria: Athena Diagnostics Criteria. Collection method: clinical testing. Allele origin: unknown.
Comment: Available data are insufficient to determine the clinical significance of the variant at this time. This variant has not been reported in large, multi-ethnic general populations. Computational tools disagree on the variant's effect on normal protein function.